The following is an entry in ClinVar:

NM_024675.4(PALB2):c.1937G>C (p.Arg646Thr)

Gene: PALB2 (partner and localizer of BRCA2; minus strand). Cytogenetic location: 16p12.2.
Variant type: single nucleotide variant.
Coding change: c.1937G>C on transcript NM_024675.4 (MANE Select); coding-DNA position 1937, G replaced by C.
Protein change: p.Arg646Thr; replaces arginine 646 with threonine.
Molecular consequence: missense variant.
Genome position (GRCh38, 1-based): chr16:23,630,217, C>G on the plus strand (G>C on the coding strand, the complement: PALB2 is on the minus strand). VCF-style: chr16-23630217-C-G. GRCh37 (hg19) VCF-style: chr16-23641538-C-G.
Other names: short protein forms R646T.
Identifiers: ClinVar variation 961994 (VCV000961994.10), dbSNP rs1966863262, ClinGen allele CA395127448.

ClinVar aggregate classification (germline): Uncertain significance (1 of 4 stars; one submission).

Conditions:
Familial cancer of breast. Also called: BREAST CANCER, FAMILIAL; Hereditary breast cancer; hereditary breast carcinoma. Identifiers: Orphanet 227535, MedGen C0346153, MONDO:0016419, OMIM 114480. Disease mechanism: loss of function.

Submission:

Labcorp Genetics (formerly Invitae), Labcorp
Classification: Uncertain significance for Familial cancer of breast. Last evaluated: 2019-10-30. Review status: criteria provided, single submitter. Criteria: Invitae Variant Classification Sherloc (09022015). Collection method: clinical testing. Allele origin: germline.
Comment: This sequence change replaces arginine with threonine at codon 646 of the PALB2 protein (p.Arg646Thr). The arginine residue is weakly conserved and there is a moderate physicochemical difference between arginine and threonine. Algorithms developed to predict the effect of missense changes on protein structure and function are either unavailable or do not agree on the potential impact of this missense change (SIFT: "Tolerated"; PolyPhen-2: "Possibly Damaging"; Align-GVGD: "Class C0"). In summary, the available evidence is currently insufficient to determine the role of this variant in disease. Therefore, it has been classified as a Variant of Uncertain Significance. This variant has not been reported in the literature in individuals with PALB2-related conditions. This variant is not present in population databases (ExAC no frequency).